The following is an entry in ClinVar:

ClinVar aggregate classification (germline): Uncertain significance. Review status: criteria provided, multiple submitters, no conflicts (2 of 4 stars). 2 submissions from 2 submitters: Uncertain significance (2). Last evaluated 2025-08-25.

Conditions:
Inborn genetic diseases. Identifiers: MedGen C0950123, MeSH D030342.
Autosomal recessive limb-girdle muscular dystrophy type 2D (LGMDR3). Also called: ADHALINOPATHY, PRIMARY; DUCHENNE-LIKE AUTOSOMAL RECESSIVE MUSCULAR DYSTROPHY, TYPE 2; MUSCULAR DYSTROPHY, LIMB-GIRDLE, AUTOSOMAL RECESSIVE 3. Identifiers: Orphanet 62, MedGen C2936332, MONDO:0011968, OMIM 608099. Disease mechanism: Affects gamma-sarcoglycan and also disrupts the integrity of the entire sarcoglycan complex..

Allele frequency attached by ClinVar (database versions not stated): TOPMed below 0.00001.
gnomAD v4.1: 11 of 1,612,936 alleles (0.00068%); highest among the groups gnomAD compares: Non-Finnish European, 0.00093%; no homozygotes.

Submissions (2):

Ambry Genetics
Classification: Uncertain significance for Inborn genetic diseases. Last evaluated: 2025-08-25. Review status: criteria provided, single submitter. Criteria: Ambry Variant Classification Scheme 2023. Collection method: clinical testing. Allele origin: germline.

Labcorp Genetics (formerly Invitae), Labcorp
Classification: Uncertain significance for Autosomal recessive limb-girdle muscular dystrophy type 2D. Last evaluated: 2023-08-17. Review status: criteria provided, single submitter. Criteria: Invitae Variant Classification Sherloc (09022015). Collection method: clinical testing. Allele origin: germline.
Comment: This sequence change replaces valine, which is neutral and non-polar, with leucine, which is neutral and non-polar, at codon 365 of the SGCA protein (p.Val365Leu). This variant is not present in population databases (gnomAD no frequency). This variant has not been reported in the literature in individuals affected with SGCA-related conditions. ClinVar contains an entry for this variant (Variation ID: 1493092). Advanced modeling of protein sequence and biophysical properties (such as structural, functional, and spatial information, amino acid conservation, physicochemical variation, residue mobility, and thermodynamic stability) performed at Invitae indicates that this missense variant is expected to disrupt SGCA protein function. In summary, the available evidence is currently insufficient to determine the role of this variant in disease. Therefore, it has been classified as a Variant of Uncertain Significance.

NM_000023.4(SGCA):c.1093G>C (p.Val365Leu)

Gene: SGCA (sarcoglycan alpha; plus strand). Cytogenetic location: 17q21.33.
Variant type: single nucleotide variant.
Coding change: c.1093G>C on transcript NM_000023.4 (MANE Select); coding-DNA position 1093, G replaced by C.
Protein change: p.Val365Leu; replaces valine 365 with leucine.
Molecular consequence: missense variant. On other transcripts: non-coding transcript variant (1).
Genome position (GRCh38, 1-based): chr17:50,175,366, G>C. VCF-style: chr17-50175366-G-C. GRCh37 (hg19) VCF-style: chr17-48252727-G-C.
Other names: c.721G>C, p.Val241Leu (NM_001135697.3); c.1093G>C (NM_000023.2); short protein forms V241L, V365L.
Identifiers: ClinVar variation 1493092 (VCV001493092.7), dbSNP rs1905851242, ClinGen allele CA400184347.